The following is an entry in ClinVar:

ClinVar aggregate classification (germline): Uncertain significance (1 of 4 stars; one submission).

Conditions:
Myofibrillar myopathy 4. Also called: Zaspopathy (type). Identifiers: Orphanet 98912, MedGen C4721886, MONDO:0012277, OMIM 609452.

Allele frequency attached by ClinVar (database versions not stated): gnomAD exomes below 0.00001.
gnomAD v4.1: 1 of 1,614,238 alleles (0.000062%); highest among the groups gnomAD compares: Non-Finnish European, 0.000085%; no homozygotes.

Submission:

Labcorp Genetics (formerly Invitae), Labcorp
Classification: Uncertain significance for Myofibrillar myopathy 4. Last evaluated: 2025-06-09. Review status: criteria provided, single submitter. Criteria: Invitae Variant Classification Sherloc (09022015). Collection method: clinical testing. Allele origin: germline.
Comment: This sequence change replaces isoleucine, which is neutral and non-polar, with valine, which is neutral and non-polar, at codon 158 of the LDB3 protein (p.Ile158Val). This variant is not present in population databases (gnomAD no frequency). This variant has not been reported in the literature in individuals affected with LDB3-related conditions. ClinVar contains an entry for this variant (Variation ID: 1000429). An algorithm developed to predict the effect of missense changes on protein structure and function (PolyPhen-2) suggests that this variant is likely to be tolerated. In summary, the available evidence is currently insufficient to determine the role of this variant in disease. Therefore, it has been classified as a Variant of Uncertain Significance.

NM_001368067.1(LDB3):c.472A>G (p.Ile158Val)

Genes: LDB3 (LIM domain binding 3; plus strand), LOC110121486 (VISTA enhancer hs2143; plus strand). Cytogenetic location: 10q23.2.
Variant type: single nucleotide variant.
Coding change: c.472A>G on transcript NM_001368067.1 (MANE Plus Clinical); coding-DNA position 472, A replaced by G.
Protein change: p.Ile158Val; replaces isoleucine 158 with valine.
Molecular consequence: missense variant. On other transcripts: intron variant (5).
Genome position (GRCh38, 1-based): chr10:86,687,196, A>G. VCF-style: chr10-86687196-A-G. GRCh37 (hg19) VCF-style: chr10-88446953-A-G.
Other names: c.472A>G, p.Ile158Val (NM_001080114.2, NM_001080116.1, NM_001368066.1 and 1 more transcripts); c.817A>G, p.Ile273Val (NM_001171610.2, NM_001171611.2); c.690-4700A>G (NM_001368064.1, NM_001368063.1, NM_007078.3 and 2 more transcripts); short protein forms I158V, I273V.
Identifiers: ClinVar variation 1000429 (VCV001000429.9), dbSNP rs1845528164, ClinGen allele CA377441747.
Genomic context (GRCh38, chr10:86,687,196, plus strand): 5'-ATCGAGGTGAAGGGGCTGGGCGGCAAGGCCACCATCATCCATGCGCAGTACAACACGCCC[A>G]TCAGCATGTATTCCCAGGATGCCATCATGGATGCCATCGCTGGGCAGGCCCAAGCCCAAG-3'
Protein context (NP_001354996.1, residues 148-168): TIIHAQYNTP[Ile158Val]SMYSQDAIMD